The following is an entry in ClinVar:

NM_000257.4(MYH7):c.862C>T (p.Gln288Ter)

Gene: MYH7 (myosin heavy chain 7; minus strand). Cytogenetic location: 14q11.2.
Variant type: single nucleotide variant.
Coding change: c.862C>T on transcript NM_000257.4 (MANE Select); coding-DNA position 862, C replaced by T.
Protein change: p.Gln288Ter; replaces glutamine 288 with a stop codon.
Molecular consequence: nonsense.
Genome position (GRCh38, 1-based): chr14:23,430,934, G>A on the plus strand (C>T on the coding strand, the complement: MYH7 is on the minus strand). VCF-style: chr14-23430934-G-A. GRCh37 (hg19) VCF-style: chr14-23900143-G-A.
Other names: c.862C>T, p.Gln288Ter (NM_001407004.1); short protein forms Q288*.
Identifiers: ClinVar variation 2105129 (VCV002105129.4), dbSNP rs1892908836, ClinGen allele CA389051879.

ClinVar aggregate classification (germline): Uncertain significance (1 of 4 stars; one submission).

Conditions:
Hypertrophic cardiomyopathy. Also called: HYPERTROPHIC MYOCARDIOPATHY. Identifiers: Orphanet 217569, MedGen C0007194, MeSH D002312, MONDO:0005045, HP:0001639.

Submission:

Labcorp Genetics (formerly Invitae), Labcorp
Classification: Uncertain significance for Hypertrophic cardiomyopathy. Last evaluated: 2022-03-01. Review status: criteria provided, single submitter. Criteria: Invitae Variant Classification Sherloc (09022015). Collection method: clinical testing. Allele origin: germline.
Comment: In summary, the available evidence is currently insufficient to determine the role of this variant in disease. Therefore, it has been classified as a Variant of Uncertain Significance. This variant has not been reported in the literature in individuals affected with MYH7-related conditions. This variant is not present in population databases (gnomAD no frequency). This sequence change creates a premature translational stop signal (p.Gln288*) in the MYH7 gene. It is expected to result in an absent or disrupted protein product. However, the current clinical and genetic evidence is not sufficient to establish whether loss-of-function variants in MYH7 cause disease.